The following is an entry in ClinVar:

ClinVar aggregate classification (germline): Uncertain significance (1 of 4 stars; one submission).

Conditions:
Bardet-Biedl syndrome (BBS). Identifiers: Orphanet 110, MedGen C0752166, MONDO:0015229.

Submission:

Labcorp Genetics (formerly Invitae), Labcorp
Classification: Uncertain significance for Bardet-Biedl syndrome. Last evaluated: 2022-10-17. Review status: criteria provided, single submitter. Criteria: Invitae Variant Classification Sherloc (09022015). Collection method: clinical testing. Allele origin: germline.
Comment: This variant has not been reported in the literature in individuals affected with BBS10-related conditions. ClinVar contains an entry for this variant (Variation ID: 1460875). This sequence change replaces asparagine, which is neutral and polar, with serine, which is neutral and polar, at codon 531 of the BBS10 protein (p.Asn531Ser). This variant is not present in population databases (gnomAD no frequency). Advanced modeling of protein sequence and biophysical properties (such as structural, functional, and spatial information, amino acid conservation, physicochemical variation, residue mobility, and thermodynamic stability) performed at Invitae indicates that this missense variant is not expected to disrupt BBS10 protein function. In summary, the available evidence is currently insufficient to determine the role of this variant in disease. Therefore, it has been classified as a Variant of Uncertain Significance.

NM_024685.4(BBS10):c.1592A>G (p.Asn531Ser)

Gene: BBS10 (Bardet-Biedl syndrome 10; minus strand). Cytogenetic location: 12q21.2.
Variant type: single nucleotide variant.
Coding change: c.1592A>G on transcript NM_024685.4 (MANE Select); coding-DNA position 1592, A replaced by G.
Protein change: p.Asn531Ser; replaces asparagine 531 with serine.
Molecular consequence: missense variant.
Genome position (GRCh38, 1-based): chr12:76,346,393, T>C on the plus strand (A>G on the coding strand, the complement: BBS10 is on the minus strand). VCF-style: chr12-76346393-T-C. GRCh37 (hg19) VCF-style: chr12-76740173-T-C.
Other names: short protein forms N531S.
Identifiers: ClinVar variation 1460875 (VCV001460875.8), dbSNP rs2136090095, ClinGen allele CA385810844.